The following is an entry in ClinVar:

ClinVar aggregate classification (germline): Uncertain significance. Review status: criteria provided, multiple submitters, no conflicts (2 of 4 stars). 2 submissions from 2 submitters: Uncertain significance (2). Last evaluated 2025-10-02.

Conditions:
Inborn genetic diseases. Identifiers: MedGen C0950123, MeSH D030342.

Submissions (2):

Ambry Genetics
Classification: Uncertain significance for Inborn genetic diseases. Last evaluated: 2025-10-02. Review status: criteria provided, single submitter. Criteria: Ambry Variant Classification Scheme 2023. Collection method: clinical testing. Allele origin: germline.

Women's Health and Genetics/Laboratory Corporation of America, LabCorp
Classification: Uncertain significance. Last evaluated: 2024-05-09. Review status: criteria provided, single submitter. Criteria: LabCorp Variant Classification Summary - May 2015. Collection method: clinical testing. Allele origin: germline.
Comment: Variant summary: INSR c.1477G>T (p.Ala493Ser) results in a conservative amino acid change located in the fibronectin type III domain (IPR003961) of the encoded protein sequence. Four of five in-silico tools predict a damaging effect of the variant on protein function. The variant was absent in 251170 control chromosomes. The available data on variant occurrences in the general population are insufficient to allow any conclusion about variant significance. To our knowledge, no occurrence of c.1477G>T in individuals affected with INSR-related conditions and no experimental evidence demonstrating its impact on protein function have been reported. No submitters have cited clinical-significance assessments for this variant to ClinVar. Based on the evidence outlined above, the variant was classified as uncertain significance.

NM_000208.4(INSR):c.1477G>T (p.Ala493Ser)

Gene: INSR (insulin receptor; minus strand). Cytogenetic location: 19p13.2.
Variant type: single nucleotide variant.
Coding change: c.1477G>T on transcript NM_000208.4 (MANE Select); coding-DNA position 1477, G replaced by T.
Protein change: p.Ala493Ser; replaces alanine 493 with serine.
Molecular consequence: missense variant.
Genome position (GRCh38, 1-based): chr19:7,170,543, C>A on the plus strand (G>T on the coding strand, the complement: INSR is on the minus strand). VCF-style: chr19-7170543-C-A. GRCh37 (hg19) VCF-style: chr19-7170554-C-A.
Other names: c.1477G>T (NM_000208.2); c.1477G>T, p.Ala493Ser (NM_001079817.3); short protein forms A493S.
Identifiers: ClinVar variation 3336064 (VCV003336064.2).